The following is an entry in ClinVar:

NM_001252024.2(TRPM1):c.4080C>T (p.Gly1360=)

Gene: TRPM1 (transient receptor potential cation channel subfamily M member 1; minus strand). Cytogenetic location: 15q13.3.
Variant type: single nucleotide variant.
Coding change: c.4080C>T on transcript NM_001252024.2 (MANE Select); coding-DNA position 4080, C replaced by T.
Protein change: p.Gly1360=; no amino-acid change (glycine 1360 retained).
Molecular consequence: synonymous variant.
Genome position (GRCh38, 1-based): chr15:31,002,620, G>A on the plus strand (C>T on the coding strand, the complement: TRPM1 is on the minus strand). VCF-style: chr15-31002620-G-A. GRCh37 (hg19) VCF-style: chr15-31294823-G-A.
Other names: c.4131C>T, p.Gly1377= (NM_001252020.2); c.4014C>T, p.Gly1338= (NM_002420.6); c.4131C>T (NM_001252020.1).
Identifiers: ClinVar variation 1371640 (VCV001371640.7), dbSNP rs373038088, ClinGen allele CA7451701.
Genomic context (GRCh38, chr15:31,002,620, plus strand): 5'-AATATCTGGACCTAATTTTGACTCTTCAGCGTTCTTTAAGTCATCTACTGCAAGGTGACT[G>A]CCATCTGGGGTTGCTGATGTGCTTGTGCCCAGTGAAAGGTGAAGACTGTTCTGACATTCT-3'
Protein context (NP_001238953.1, residues 1350-1370): LGTSTSATPD[Gly1360=]SHLAVDDLKN

ClinVar aggregate classification (germline): Likely benign. Review status: criteria provided, multiple submitters, no conflicts (2 of 4 stars). 2 submissions from 2 submitters: Likely benign (2). Last evaluated 2026-06-28.

Conditions:
TRPM1-related disorder. Also called: TRPM1-related condition.

Allele frequency attached by ClinVar (database versions not stated): gnomAD exomes below 0.00001 and 0.00001; ExAC 0.00001; gnomAD 0.00001; TOPMed 0.00002; ESP Exome Variant Server 0.00008.
gnomAD v4.1: 18 of 1,614,044 alleles (0.0011%); highest among the groups gnomAD compares: Non-Finnish European, 0.0015%; no homozygotes.

Submissions (2):

PreventionGenetics, part of Exact Sciences
Classification: Likely benign for TRPM1-related condition. Last evaluated: 2026-06-28. Review status: criteria provided, single submitter. Criteria: ACMG Guidelines, 2015. Collection method: clinical testing. Allele origin: germline.
Comment: This variant is classified as likely benign based on ACMG/AMP sequence variant interpretation guidelines (Richards et al. 2015 PMID: 25741868, with internal and published modifications).

Labcorp Genetics (formerly Invitae), Labcorp
Classification: Likely benign. Last evaluated: 2022-03-09. Review status: criteria provided, single submitter. Criteria: Invitae Variant Classification Sherloc (09022015). Collection method: clinical testing. Allele origin: germline.